The following is an entry in ClinVar:

NM_000514.4(GDNF):c.*1605T>C

Gene: GDNF (glial cell derived neurotrophic factor; minus strand). Cytogenetic location: 5p13.2.
Variant type: single nucleotide variant.
Coding change: c.*1605T>C on transcript NM_000514.4 (MANE Select); 1605 bases downstream of the stop codon, T replaced by C.
Molecular consequence: 3 prime UTR variant.
Genome position (GRCh38, 1-based): chr5:37,814,046, A>G on the plus strand (T>C on the coding strand, the complement: GDNF is on the minus strand). VCF-style: chr5-37814046-A-G. GRCh37 (hg19) VCF-style: chr5-37814148-A-G.
Other names: c.*1605T>C (NM_001190468.1, NM_001190469.1, NM_001278098.1 and 1 more transcripts).
Identifiers: ClinVar variation 353494 (VCV000353494.6), dbSNP rs3749692, ClinGen allele CA10624714.

ClinVar aggregate classification (germline): Benign. Review status: criteria provided, multiple submitters, no conflicts (2 of 4 stars). 2 submissions from 2 submitters: Benign (2). Last evaluated 2018-01-13.

Conditions:
Hirschsprung disease, susceptibility to, 3. Identifiers: Orphanet 388, MedGen C3150974, MONDO:0013383, OMIM 613711.

Allele frequency attached by ClinVar (database versions not stated): gnomAD 0.52136 and 0.52503; TOPMed 0.52498; 1000 Genomes Project 30x 0.53810; 1000 Genomes Project 0.53994; gnomAD exomes 0.56250.

Submissions (2):

Illumina Laboratory Services, Illumina
Classification: Benign for Hirschsprung disease, susceptibility to, 3. Last evaluated: 2018-01-13. Review status: criteria provided, single submitter. Criteria: ICSL Variant Classification Criteria 13 December 2019. Collection method: clinical testing. Allele origin: germline.
Comment: This variant was observed in the ICSL laboratory as part of a predisposition screen in an ostensibly healthy population. It had not been previously curated by ICSL or reported in the Human Gene Mutation Database (HGMD: prior to June 1st, 2018), and was therefore a candidate for classification through an automated scoring system. Utilizing variant allele frequency, disease prevalence and penetrance estimates, and inheritance mode, an automated score was calculated to assess if this variant is too frequent to cause the disease. Based on the score and internal cut-off values, a variant classified as benign is not then subjected to further curation. The score for this variant resulted in a classification of benign for this disease.

Breakthrough Genomics
Classification: Benign. Review status: criteria provided, single submitter. Criteria: ACMG Guidelines, 2015. Collection method: not provided. Allele origin: germline. Inheritance: Autosomal dominant inheritance. Affected: yes.